The following is an entry in ClinVar:

NM_001369.3(DNAH5):c.2140del (p.Ile714fs)

Genes: DNAH5 (dynein axonemal heavy chain 5; minus strand), DNAH5-AS1 (DNAH5 antisense RNA 1; plus strand). Cytogenetic location: 5p15.2.
Variant type: Deletion.
Coding change: c.2140del on transcript NM_001369.3 (MANE Select); coding-DNA position 2140, one base deleted (A; older notation c.2140delA).
Protein change: p.Ile714fs; shifts the reading frame from isoleucine 714.
Molecular consequence: frameshift variant. On other transcripts: non-coding transcript variant (1).
Genome position (GRCh38, 1-based): chr5:13,900,325, T deleted on the plus strand (A on the coding strand, the reverse complement: DNAH5 is on the minus strand). VCF-style (leftmost placement, unchanged base first): chr5-13900324-AT-A. GRCh37 (hg19) VCF-style: chr5-13900433-AT-A.
Other names: short protein forms I714fs.
Identifiers: ClinVar variation 5012751 (VCV005012751.1).

ClinVar aggregate classification (germline): Pathogenic (1 of 4 stars; one submission).

Conditions:
Primary ciliary dyskinesia 3. Identifiers: Orphanet 244, MedGen C1837618, MONDO:0012085, OMIM 608644.

Submission:

Myriad Genetics, Inc.
Classification: Pathogenic for Primary ciliary dyskinesia 3. Last evaluated: 2024-02-18. Review status: criteria provided, single submitter. Criteria: Myriad Autosomal Dominant, Autosomal Recessive and X-Linked Classification Criteria (2023). Collection method: clinical testing. Allele origin: unknown.
Comment: NM_001369.2(DNAH5):c.2140delA(I714Yfs*2) is expected to be pathogenic in the context of primary ciliary dyskinesia, DNAH5-related. This variant is predicted to lead to an abnormal or absent protein product due to the creation of a premature termination codon in DNAH5, a gene where loss-of-function variants are known to be pathogenic. Please note: this variant was assessed in the context of healthy population screening.